The following is an entry in ClinVar:

NM_005994.4(TBX2):c.364G>A (p.Gly122Ser)

Gene: TBX2 (T-box transcription factor 2; plus strand). Cytogenetic location: 17q23.2.
Variant type: single nucleotide variant.
Coding change: c.364G>A on transcript NM_005994.4 (MANE Select); coding-DNA position 364, G replaced by A.
Protein change: p.Gly122Ser; replaces glycine 122 with serine.
Molecular consequence: missense variant.
Genome position (GRCh38, 1-based): chr17:61,400,540, G>A. VCF-style: chr17-61400540-G-A. GRCh37 (hg19) VCF-style: chr17-59477901-G-A.
Other names: short protein forms G122S.
Identifiers: ClinVar variation 4983858 (VCV004983858.1).

ClinVar aggregate classification (germline): Uncertain significance (1 of 4 stars; one submission).

Conditions:
TBX2-related disorder. Also called: TBX2-related condition.

Submission:

PreventionGenetics, part of Exact Sciences
Classification: Uncertain significance for TBX2-related condition. Last evaluated: 2025-09-09. Review status: criteria provided, single submitter. Criteria: ACMG Guidelines, 2015. Collection method: clinical testing. Allele origin: germline.
Comment: The TBX2 c.364G>A variant is predicted to result in the amino acid substitution p.Gly122Ser. To our knowledge, this variant has not been reported in the literature or in a large population database (gnomAD), indicating this variant is rare. At this time, the clinical significance of this variant is uncertain due to the absence of conclusive functional and genetic evidence.